The following is an entry in ClinVar:

NM_024334.3(TMEM43):c.*1A>C

Gene: TMEM43 (transmembrane protein 43; plus strand). Cytogenetic location: 3p25.1.
Variant type: single nucleotide variant.
Coding change: c.*1A>C on transcript NM_024334.3 (MANE Select); 1 bases downstream of the stop codon, A replaced by C.
Molecular consequence: 3 prime UTR variant.
Genome position (GRCh38, 1-based): chr3:14,141,796, A>C. VCF-style: chr3-14141796-A-C. GRCh37 (hg19) VCF-style: chr3-14183296-A-C.
Other names: c.*1A>C (NM_001407274.1, NM_001407275.1, NM_001407276.1 and 4 more transcripts).
Identifiers: ClinVar variation 3386095 (VCV003386095.1).

ClinVar aggregate classification (germline): Uncertain significance (1 of 4 stars; one submission).

Conditions:
Arrhythmogenic right ventricular dysplasia 5. Also called: Arrhythmogenic Right Ventricular Dysplasia/Cardiomyopathy 5; ARRHYTHMOGENIC RIGHT VENTRICULAR DYSPLASIA, FAMILIAL, 5. Identifiers: MedGen C1858379, MONDO:0011459, OMIM 604400.

Submission:

All of Us Research Program, National Institutes of Health
Classification: Uncertain significance for Arrhythmogenic right ventricular dysplasia 5. Last evaluated: 2024-07-20. Review status: criteria provided, single submitter. Criteria: ACMG Guidelines, 2015. Collection method: clinical testing. Allele origin: germline. Inheritance: Autosomal dominant inheritance. Observed: 1 variant allele, 1 heterozygote.
Comment: This variant is located in the 3' untranslated region of the TMEM43 gene. To our knowledge, functional studies have not been reported for this variant. This variant has not been reported in individuals affected with TMEM43-related disorders in the literature. This variant has not been identified in the general population by the Genome Aggregation Database (gnomAD). The available evidence is insufficient to determine the role of this variant in disease conclusively. Therefore, this variant is classified as a Variant of Uncertain Significance.

This study involves interpretation of variants in research participants for the purpose of population health screening. Participant phenotype was not available at the time of variant classification. Additional details can be found in publication PMID: 35346344, PMCID: PMC8962531